The following is an entry in ClinVar:

NM_022773.4(LMF1):c.1673A>G (p.Asp558Gly)

Gene: LMF1 (lipase maturation factor 1; minus strand). Cytogenetic location: 16p13.3.
Variant type: single nucleotide variant.
Coding change: c.1673A>G on transcript NM_022773.4 (MANE Select); coding-DNA position 1673, A replaced by G.
Protein change: p.Asp558Gly; replaces aspartic acid 558 with glycine.
Molecular consequence: missense variant. On other transcripts: synonymous variant (1), non-coding transcript variant (1).
Genome position (GRCh38, 1-based): chr16:854,563, T>C on the plus strand (A>G on the coding strand, the complement: LMF1 is on the minus strand). VCF-style: chr16-854563-T-C. GRCh37 (hg19) VCF-style: chr16-904563-T-C.
Other names: c.1022A>G, p.Asp341Gly (NM_001352017.2, NM_001352021.2); c.1274A>G, p.Asp425Gly (NM_001352018.2); c.1346A>G, p.Asp449Gly (NM_001352019.2); c.1593A>G, p.Gly531= (NM_001352020.1); short protein forms D341G, D449G, D558G, D425G.
Identifiers: ClinVar variation 2447057 (VCV002447057.2), dbSNP rs2069136008, ClinGen allele CA394114415.
Genomic context (GRCh38, chr16:854,563, plus strand): 5'-GGGTCTTCGCCTTTATTTCTGGTGCACGTCTAGAGGGGCCCGGGCAGAGGCCACCCACGG[T>C]CCCTGAAGTAGGGCCTCAGCTCCTCCAGGCTGAGCGGAGGGAAGTAGGCTCCGATCCTCT-3'
Protein context (NP_073610.2, residues 548-567): SLEELRPYFR[Asp558Gly]RGWPLPGPL

ClinVar aggregate classification (germline): Uncertain significance (1 of 4 stars; one submission).

Conditions:
Cardiovascular phenotype. Identifiers: MedGen CN230736.

Allele frequency attached by ClinVar (database versions not stated): TOPMed 0.00001.

Submission:

Ambry Genetics
Classification: Uncertain significance for Cardiovascular phenotype. Last evaluated: 2022-11-07. Review status: criteria provided, single submitter. Criteria: Ambry Variant Classification Scheme 2023. Collection method: clinical testing. Allele origin: germline.
Comment: The p.D558G variant (also known as c.1673A>G), located in coding exon 11 of the LMF1 gene, results from an A to G substitution at nucleotide position 1673. The aspartic acid at codon 558 is replaced by glycine, an amino acid with similar properties. This amino acid position is conserved. In addition, this alteration is predicted to be tolerated by in silico analysis. Since supporting evidence is limited at this time, the clinical significance of this alteration remains unclear.